The following is an entry in ClinVar:

ClinVar aggregate classification (germline): Pathogenic/Likely pathogenic. Review status: criteria provided, multiple submitters, no conflicts (2 of 4 stars). 4 submissions from 4 submitters: Pathogenic (1); Likely pathogenic (3). Last evaluated 2025-09-09.

Conditions:
Cardiomyopathy (CMYO). Also called: Cardiomyopathies. Identifiers: Orphanet 167848, MedGen C0878544, MONDO:0004994, HP:0001638. Inheritance: Various modes of inheritance.
Cardiovascular phenotype. Identifiers: MedGen CN230736.
Arrhythmogenic cardiomyopathy with wooly hair and keratoderma. Also called: Arrhythmogenic cardiomyopathy with woolly hair and keratoderma; PALMOPLANTAR KERATODERMA WITH LEFT VENTRICULAR CARDIOMYOPATHY AND WOOLLY HAIR; Carvajal syndrome; Dilated cardiomyopathy with woolly hair and keratoderma. Identifiers: Orphanet 65282, MedGen C1854063, MONDO:0011581, OMIM 605676.
Arrhythmogenic right ventricular dysplasia 8 (ARVD8). Also called: Arrhythmogenic Right Ventricular Dysplasia/Cardiomyopathy 8; ARRHYTHMOGENIC RIGHT VENTRICULAR DYSPLASIA, FAMILIAL, 8; ARRHYTHMOGENIC RIGHT VENTRICULAR CARDIOMYOPATHY 8. Identifiers: MedGen C1843896, MONDO:0011831, OMIM 607450.

Submissions (4):

Molecular Diagnostic Laboratory for Inherited Cardiovascular Disease, Montreal Heart Institute
Classification: Likely pathogenic for Cardiovascular phenotype. Last evaluated: 2025-09-09. Review status: criteria provided, single submitter. Criteria: ACMG Guidelines, 2015. Collection method: clinical testing. Allele origin: germline. Affected: yes.
Comment: PVS1_strong, PM2

Labcorp Genetics (formerly Invitae), Labcorp
Classification: Pathogenic for Arrhythmogenic cardiomyopathy with wooly hair and keratoderma; Arrhythmogenic right ventricular dysplasia 8. Last evaluated: 2025-05-27. Review status: criteria provided, single submitter. Criteria: Invitae Variant Classification Sherloc (09022015). Collection method: clinical testing. Allele origin: germline.
Comment: This sequence change creates a premature translational stop signal (p.Leu2405Glnfs*24) in the DSP gene. While this is not anticipated to result in nonsense mediated decay, it is expected to disrupt the last 467 amino acid(s) of the DSP protein. This variant is not present in population databases (gnomAD no frequency). This variant has not been reported in the literature in individuals affected with DSP-related conditions. ClinVar contains an entry for this variant (Variation ID: 2950113). This variant disrupts a region of the DSP protein in which other variant(s) (p.Glu2728Glyfs*11) have been determined to be pathogenic (internal data). This suggests that this is a clinically significant region of the protein, and that variants that disrupt it are likely to be disease-causing. For these reasons, this variant has been classified as Pathogenic.

All of Us Research Program, National Institutes of Health
Classification: Likely pathogenic for Arrhythmogenic cardiomyopathy with wooly hair and keratoderma. Last evaluated: 2023-12-18. Review status: criteria provided, single submitter. Criteria: ACMG Guidelines, 2015. Collection method: clinical testing. Allele origin: germline. Inheritance: Autosomal dominant inheritance. Observed: 1 variant allele, 1 heterozygote.
Comment: This variant deletes 4 nucleotides in exon 24 of the DSP gene, creating a frameshift and premature translation stop signal in the last exon. This variant is predicted to escape nonsense-mediated decay and be expressed as a truncated protein with disrupted plakin repeat domain B (a.a. 2244-2446) and downstream C-terminal sequence that have been reported to be essential for interaction with intermediate filaments (PMID: 12101406, 12802069, 21756917). In addition, truncating variants occurring downstream of this variant are known to be disease-causing (ClinVar variation ID: 1326970, 432027, 246676). To our knowledge, this variant has not been reported in individuals affected with DSP-related disorders in the literature. This variant has not been identified in the general population by the Genome Aggregation Database (gnomAD). Loss of DSP function is a known mechanism of disease. Based on the available evidence, this variant is classified as Likely Pathogenic.

This study involves interpretation of variants in research participants for the purpose of population health screening. Participant phenotype was not available at the time of variant classification. Additional details can be found in publication PMID: 35346344, PMCID: PMC8962531

Color Diagnostics, LLC DBA Color Health
Classification: Likely pathogenic for Cardiomyopathy. Last evaluated: 2023-10-10. Review status: criteria provided, single submitter. Criteria: ACMG Guidelines, 2015. Collection method: clinical testing. Allele origin: germline.
Comment: This variant deletes 4 nucleotides in exon 24 of the DSP gene, creating a frameshift and premature translation stop signal in the last exon. This variant is predicted to escape nonsense-mediated decay and be expressed as a truncated protein with disrupted plakin repeat domain B (a.a. 2244-2446) and downstream C-terminal sequence that have been reported to be essential for interaction with intermediate filaments (PMID: 12101406, 12802069, 21756917). In addition, truncating variants occurring downstream of this variant are known to be disease-causing (ClinVar variation ID: 1326970, 432027, 246676). To our knowledge, this variant has not been reported in individuals affected with DSP-related disorders in the literature. This variant has not been identified in the general population by the Genome Aggregation Database (gnomAD). Loss of DSP function is a known mechanism of disease. Based on the available evidence, this variant is classified as Likely Pathogenic.

Literature cited by the submitters: PubMed 12101406 (cited by All of Us Research Program, National Institutes of Health and Color Diagnostics, LLC DBA Color Health); PubMed 12802069 (cited by All of Us Research Program, National Institutes of Health and Color Diagnostics, LLC DBA Color Health); PubMed 21756917 (cited by All of Us Research Program, National Institutes of Health and Color Diagnostics, LLC DBA Color Health).

NM_004415.4(DSP):c.7214_7217del (p.Leu2405fs)

Gene: DSP (desmoplakin; plus strand). Cytogenetic location: 6p24.3.
Variant type: Microsatellite.
Coding change: c.7214_7217del on transcript NM_004415.4 (MANE Select); coding-DNA positions 7214 to 7217, 4 bases deleted (TCTC; older notation c.7214_7217delTCTC).
Protein change: p.Leu2405fs; shifts the reading frame from leucine 2405.
Molecular consequence: frameshift variant.
Genome position (GRCh38, 1-based): chr6:7,584,476-7,584,479, TCTC deleted; deleting any 4 consecutive bases within chr6:7,584,474-7,584,479 gives the same sequence; the c. name uses the placement nearest the transcript's 3' end. VCF-style (leftmost placement, unchanged base first): chr6-7584473-TTCTC-T. GRCh37 (hg19) VCF-style: chr6-7584706-TTCTC-T.
Other names: c.5417_5420del, p.Leu1806fs (NM_001008844.3); c.5885_5888del, p.Leu1962fs (NM_001319034.2); c.7214_7217del (NM_004415.3); short protein forms L1806fs, L1962fs, L2405fs.
Identifiers: ClinVar variation 2950113 (VCV002950113.6), dbSNP rs2533944558, ClinGen allele CA2740094264.